The following is an entry in ClinVar:

NM_001165963.4(SCN1A):c.632del (p.Asn211fs)

Gene: SCN1A (sodium voltage-gated channel alpha subunit 1; minus strand). Cytogenetic location: 2q24.3.
Variant type: Deletion.
Coding change: c.632del on transcript NM_001165963.4 (MANE Select); coding-DNA position 632, one base deleted (A; older notation c.632delA).
Protein change: p.Asn211fs; shifts the reading frame from asparagine 211.
Molecular consequence: frameshift variant. On other transcripts: 5 prime UTR variant (1), non-coding transcript variant (1).
Genome position (GRCh38, 1-based): chr2:166,052,914, T deleted on the plus strand (A on the coding strand, the reverse complement: SCN1A is on the minus strand); the first of 2 consecutive T bases (chr2:166,052,914-166,052,915); deleting either gives the same sequence. VCF-style (leftmost placement, unchanged base first): chr2-166052913-AT-A. GRCh37 (hg19) VCF-style: chr2-166909423-AT-A.
Other names: c.632del, p.Asn211fs (NM_001165964.3, NM_001202435.3, NM_001353948.2 and 10 more transcripts); c.-1794del (NM_001353961.2); short protein forms N211fs.
Identifiers: ClinVar variation 2041985 (VCV002041985.4), dbSNP rs2468233671, ClinGen allele CA2580064302.

ClinVar aggregate classification (germline): Pathogenic (1 of 4 stars; one submission).

Conditions:
Early-infantile DEE. Also called: Early infantile epileptic encephalopathy; Ohtahara syndrome; Early infantile epileptic encephalopathy with suppression bursts. Identifiers: Orphanet 1934, MedGen C0393706, MONDO:0800491.

Submission:

Labcorp Genetics (formerly Invitae), Labcorp
Classification: Pathogenic for Early-infantile DEE. Last evaluated: 2021-12-13. Review status: criteria provided, single submitter. Criteria: Invitae Variant Classification Sherloc (09022015). Collection method: clinical testing. Allele origin: germline.
Comment: For these reasons, this variant has been classified as Pathogenic. This sequence change creates a premature translational stop signal (p.Asn211Metfs*5) in the SCN1A gene. It is expected to result in an absent or disrupted protein product. Loss-of-function variants in SCN1A are known to be pathogenic (PMID: 17347258, 18930999). This variant is not present in population databases (gnomAD no frequency). This variant has not been reported in the literature in individuals affected with SCN1A-related conditions.

Literature cited by the submitters: PubMed 17347258; PubMed 18930999.